The following is an entry in ClinVar:

ClinVar aggregate classification (germline): Uncertain significance (1 of 4 stars; one submission).

Submission:

Labcorp Genetics (formerly Invitae), Labcorp
Classification: Uncertain significance. Last evaluated: 2024-01-02. Review status: criteria provided, single submitter. Criteria: Invitae Variant Classification Sherloc (09022015). Collection method: clinical testing. Allele origin: germline.
Comment: This sequence change replaces proline, which is neutral and non-polar, with threonine, which is neutral and polar, at codon 1042 of the TAOK2 protein (p.Pro1042Thr). This variant is not present in population databases (gnomAD no frequency). This variant has not been reported in the literature in individuals affected with TAOK2-related conditions. An algorithm developed to predict the effect of missense changes on protein structure and function (PolyPhen-2) suggests that this variant is likely to be disruptive. In summary, the available evidence is currently insufficient to determine the role of this variant in disease. Therefore, it has been classified as a Variant of Uncertain Significance.

NM_016151.4(TAOK2):c.3124C>A (p.Pro1042Thr)

Gene: TAOK2 (TAO kinase 2; plus strand). Cytogenetic location: 16p11.2.
Variant type: single nucleotide variant.
Coding change: c.3124C>A on transcript NM_016151.4 (MANE Select); coding-DNA position 3124, C replaced by A.
Protein change: p.Pro1042Thr; replaces proline 1042 with threonine.
Molecular consequence: missense variant. On other transcripts: intron variant (1).
Genome position (GRCh38, 1-based): chr16:29,987,396, C>A. VCF-style: chr16-29987396-C-A. GRCh37 (hg19) VCF-style: chr16-29998717-C-A.
Other names: c.2785C>A, p.Pro929Thr (NM_001252043.2); c.2232+892C>A (NM_004783.4); short protein forms P929T, P1042T.
Identifiers: ClinVar variation 3006394 (VCV003006394.3), dbSNP rs2069840356, ClinGen allele CA395498414.
Genomic context (GRCh38, chr16:29,987,396, plus strand): 5'-CAGGGTACCGCACTGGGGGCCGTCCTGGGCCTGAGCTGGCGCCGAGGCCTCATGGGTGTT[C>A]CCCTGGGCCTTGGAGCTGCCTGGCTCTTAGCTTGGCCAGGCCTAGCTCTACCTCTGGTGG-3'
Protein context (NP_057235.2, residues 1032-1052): LSWRRGLMGV[Pro1042Thr]LGLGAAWLLA